The following is an entry in ClinVar:

NM_013382.7(POMT2):c.1135A>G (p.Lys379Glu)

Gene: POMT2 (protein O-mannosyltransferase 2; minus strand). Cytogenetic location: 14q24.3.
Variant type: single nucleotide variant.
Coding change: c.1135A>G on transcript NM_013382.7 (MANE Select); coding-DNA position 1135, A replaced by G.
Protein change: p.Lys379Glu; replaces lysine 379 with glutamic acid.
Molecular consequence: missense variant.
Genome position (GRCh38, 1-based): chr14:77,291,362, T>C on the plus strand (A>G on the coding strand, the complement: POMT2 is on the minus strand). VCF-style: chr14-77291362-T-C. GRCh37 (hg19) VCF-style: chr14-77757705-T-C.
Other names: short protein forms K379E.
Identifiers: ClinVar variation 956476 (VCV000956476.9), dbSNP rs777172630, ClinGen allele CA7285958.

ClinVar aggregate classification (germline): Uncertain significance. Review status: criteria provided, multiple submitters, no conflicts (2 of 4 stars). 2 submissions from 2 submitters: Uncertain significance (2). Last evaluated 2026-09-15.

Conditions:
Muscular dystrophy-dystroglycanopathy (congenital with brain and eye anomalies), type A2. Also called: MUSCULAR DYSTROPHY-DYSTROGLYCANOPATHY (CONGENITAL WITH BRAIN AND EYE ANOMALIES), TYPE A, 2; WALKER-WARBURG SYNDROME OR MUSCLE-EYE-BRAIN DISEASE, POMT2-RELATED. Identifiers: Orphanet 588, Orphanet 899, MedGen C3150411, MONDO:0013154, OMIM 613150.
Muscular dystrophy-dystroglycanopathy (congenital with impaired intellectual development), type B, 2. Also called: Muscular dystrophy-dystroglycanopathy (congenital with intellectual disability), type B2; MUSCULAR DYSTROPHY, CONGENITAL, POMT2-RELATED. Identifiers: MedGen C3150416, MONDO:0013160, OMIM 613156.
Autosomal recessive limb-girdle muscular dystrophy type 2N. Also called: Muscular dystrophy-dystroglycanopathy (limb-girdle), type C, 2; MUSCULAR DYSTROPHY-DYSTROGLYCANOPATHY, LIMB-GIRDLE, POMT2-RELATED. Identifiers: Orphanet 206559, MedGen C3150418, MONDO:0013162, OMIM 613158.

Allele frequency attached by ClinVar (database versions not stated): gnomAD exomes 0.00001 and 0.00003; ExAC 0.00002.
gnomAD v4.1: 6 of 1,343,680 alleles (0.00045%); highest among the groups gnomAD compares: Admixed American, 0.011%; no homozygotes.

Submissions (2):

GeneDx
Classification: Uncertain significance. Last evaluated: 2026-09-15. Review status: criteria provided, single submitter. Criteria: GeneDx Variant Classification Process June 2021. Collection method: clinical testing. Allele origin: germline.
Comment: In silico analysis supports that this missense variant has a deleterious effect on protein structure/function; Has not been previously published as pathogenic or benign to our knowledge

Labcorp Genetics (formerly Invitae), Labcorp
Classification: Uncertain significance for Muscular dystrophy-dystroglycanopathy (congenital with impaired intellectual development), type B, 2; Muscular dystrophy-dystroglycanopathy (congenital with brain and eye anomalies), type A2; Autosomal recessive limb-girdle muscular dystrophy type 2N. Last evaluated: 2022-05-20. Review status: criteria provided, single submitter. Criteria: Invitae Variant Classification Sherloc (09022015). Collection method: clinical testing. Allele origin: germline.
Comment: This sequence change replaces lysine, which is basic and polar, with glutamic acid, which is acidic and polar, at codon 379 of the POMT2 protein (p.Lys379Glu). This variant is present in population databases (rs777172630, gnomAD 0.02%). This variant has not been reported in the literature in individuals affected with POMT2-related conditions. ClinVar contains an entry for this variant (Variation ID: 956476). Algorithms developed to predict the effect of missense changes on protein structure and function are either unavailable or do not agree on the potential impact of this missense change (SIFT: "Tolerated"; PolyPhen-2: "Probably Damaging"; Align-GVGD: "Class C0"). In summary, the available evidence is currently insufficient to determine the role of this variant in disease. Therefore, it has been classified as a Variant of Uncertain Significance.